The following is an entry in ClinVar:

NM_014717.3(ZNF536):c.1955T>A (p.Val652Asp)

Gene: ZNF536 (zinc finger protein 536; plus strand). Cytogenetic location: 19q12.
Variant type: single nucleotide variant.
Coding change: c.1955T>A on transcript NM_014717.3 (MANE Select); coding-DNA position 1955, T replaced by A.
Protein change: p.Val652Asp; replaces valine 652 with aspartic acid.
Molecular consequence: missense variant.
Genome position (GRCh38, 1-based): chr19:30,445,517, T>A. VCF-style: chr19-30445517-T-A. GRCh37 (hg19) VCF-style: chr19-30936424-T-A.
Other names: c.1955T>A, p.Val652Asp (NM_001352260.2, NM_001376110.1, NM_001376111.1 and 1 more transcripts); short protein forms V652D.
Identifiers: ClinVar variation 4976639 (VCV004976639.1).

ClinVar aggregate classification (germline): Uncertain significance (1 of 4 stars; one submission).

Submission:

GeneDx
Classification: Uncertain significance. Last evaluated: 2023-04-20. Review status: criteria provided, single submitter. Criteria: GeneDx Variant Classification Process June 2021. Collection method: clinical testing. Allele origin: germline.
Comment: Not observed at significant frequency in large population cohorts (gnomAD); In silico analysis supports that this missense variant has a deleterious effect on protein structure/function; Has not been previously published as pathogenic or benign to our knowledge; Variants in candidate genes are classified as variants of uncertain significance in accordance with ACMG guidelines (Richards et al., 2015)